The following is an entry in ClinVar:

ClinVar aggregate classification (germline): Uncertain significance (1 of 4 stars; one submission).

Conditions:
Cardiovascular phenotype. Identifiers: MedGen CN230736.

Submission:

Ambry Genetics
Classification: Uncertain significance for Cardiovascular phenotype. Last evaluated: 2024-08-15. Review status: criteria provided, single submitter. Criteria: Ambry Variant Classification Scheme 2023. Collection method: clinical testing. Allele origin: germline.
Comment: The p.S518F variant (also known as c.1553C>T), located in coding exon 12 of the JAG1 gene, results from a C to T substitution at nucleotide position 1553. The serine at codon 518 is replaced by phenylalanine, an amino acid with highly dissimilar properties. This amino acid position is conserved. In addition, this alteration is predicted to be deleterious by in silico analysis. Based on the available evidence, the clinical significance of this variant remains unclear.

NM_000214.3(JAG1):c.1553C>T (p.Ser518Phe)

Gene: JAG1 (jagged canonical Notch ligand 1; minus strand). Cytogenetic location: 20p12.2.
Variant type: single nucleotide variant.
Coding change: c.1553C>T on transcript NM_000214.3 (MANE Select); coding-DNA position 1553, C replaced by T.
Protein change: p.Ser518Phe; replaces serine 518 with phenylalanine.
Molecular consequence: missense variant.
Genome position (GRCh38, 1-based): chr20:10,648,565, G>A on the plus strand (C>T on the coding strand, the complement: JAG1 is on the minus strand). VCF-style: chr20-10648565-G-A. GRCh37 (hg19) VCF-style: chr20-10629213-G-A.
Other names: short protein forms S518F.
Identifiers: ClinVar variation 3531160 (VCV003531160.1).
Genomic context (GRCh38, chr20:10,648,565, plus strand): 5'-TCTGCTCTAAAAACTTGGCCATCTGAGGTTTTGCCACCACTCACCTGACAGAGGTTTCCA[G>A]AGAAACCAGTGGGACACAGACACTGGAATCTGTTGATTTCATTCTGACAGTGACCCCCAT-3'
Protein context (NP_000205.1, residues 508-528): RFQCLCPTGF[Ser518Phe]GNLCQLDIDY